The following is an entry in ClinVar:

NM_003413.4(ZIC3):c.1292C>T (p.Pro431Leu)

Gene: ZIC3 (Zic family zinc finger 3; plus strand). Cytogenetic location: Xq26.3.
Variant type: single nucleotide variant.
Coding change: c.1292C>T on transcript NM_003413.4 (MANE Select); coding-DNA position 1292, C replaced by T.
Protein change: p.Pro431Leu; replaces proline 431 with leucine.
Molecular consequence: missense variant. On other transcripts: intron variant (1).
Genome position (GRCh38, 1-based): chrX:137,569,958, C>T. VCF-style: chrX-137569958-C-T. GRCh37 (hg19) VCF-style: chrX-136652117-C-T.
Other names: c.1224+893C>T (NM_001330661.1); short protein forms P431L.
Identifiers: ClinVar variation 1805378 (VCV001805378.2), dbSNP rs2521157470, ClinGen allele CA414771894.

ClinVar aggregate classification (germline): Uncertain significance (1 of 4 stars; one submission).

Conditions:
Heterotaxy, visceral, 1, X-linked (HTX1). Also called: DEXTROCARDIA WITH OTHER CARDIAC MALFORMATIONS; SITUS INVERSUS, COMPLEX CARDIAC DEFECTS, AND SPLENIC DEFECTS, X-LINKED; Laterality, X-linked; Visceral heterotaxia. Identifiers: Orphanet 450, MedGen C1844020, MONDO:0010607, OMIM 306955.

Submission:

Victorian Clinical Genetics Services, Murdoch Childrens Research Institute
Classification: Uncertain significance for Heterotaxy, visceral, 1, X-linked. Last evaluated: 2022-03-31. Review status: criteria provided, single submitter. Criteria: ACMG Guidelines, 2015. Collection method: clinical testing. Allele origin: germline. Inheritance: X-linked inheritance. Affected: yes.
Comment: Based on the classification scheme VCGS_Germline_v1.3.4, this variant is classified as VUS-3B. Following criteria are met: 0102 - Loss of function is a known mechanism of disease in this gene and is associated with nonsyndromic congenital heart defects 1 and visceral heterotaxy 1 (MIM#306955). (I) 0109 - This gene is associated with X-linked recessive disease, however there are reports of affected heterozygous females (OMIM). (I) 0112 - The condition associated with this gene has incomplete penetrance. Males with pathogenic variants have been reported unaffected in the literature (PMID: 10980576, 27406248). (I) 0200 - Variant is predicted to result in a missense amino acid change from proline to leucine. (I) 0219 - This variant is non-coding in an alternative transcript. Although this variant is coding in the canonical transcript, it is deep intronic in the alternative transcript, and pathogenic variants in this exon are not reported in ClinVar. (I) 0251 - This variant is heterozygous. (I) 0301 - Variant is absent from gnomAD (both v2 and v3). (SP) 0502 - Missense variant with conflicting in silico predictions and uninformative conservation. (I) 0604 - Variant is not located in an established domain, motif, hotspot or informative constraint region. (I) 0705 - No comparable missense variants have previous evidence for pathogenicity. (I) 0807 - This variant has no previous evidence of pathogenicity. (I) 0905 - No published segregation evidence has been identified for this variant. (I) 1007 - No published functional evidence has been identified for this variant. (I) 1207 - Parental origin of the variant is unresolved. A paternal sample has not been tested. (I) Legend: (SP) - Supporting pathogenic, (I) - Information, (SB) - Supporting benign

Literature cited by the submitters: PubMed 10980576; PubMed 27406248.